The following is an entry in ClinVar:

ClinVar aggregate classification (germline): Conflicting classifications of pathogenicity. Review status: criteria provided, conflicting classifications (1 of 4 stars). 3 submissions from 3 submitters: Uncertain significance (2); Likely benign (1). Last evaluated 2025-11-06.

Allele frequency attached by ClinVar (database versions not stated): ExAC 0.00002; gnomAD 0.00003; TOPMed 0.00005; ESP Exome Variant Server 0.00008.
gnomAD v4.1: 46 of 1,613,850 alleles (0.0029%); highest among the groups gnomAD compares: East Asian, 0.0045%; no homozygotes.

Submissions (3):

Ambry Genetics
Classification: Uncertain significance. Last evaluated: 2025-11-06. Review status: criteria provided, single submitter. Criteria: Ambry Variant Classification Scheme 2023. Collection method: clinical testing. Allele origin: germline.

Labcorp Genetics (formerly Invitae), Labcorp
Classification: Uncertain significance. Last evaluated: 2025-09-11. Review status: criteria provided, single submitter. Criteria: Invitae Variant Classification Sherloc (09022015). Collection method: clinical testing. Allele origin: germline.
Comment: This sequence change replaces glycine, which is neutral and non-polar, with serine, which is neutral and polar, at codon 340 of the FAT2 protein (p.Gly340Ser). This variant is present in population databases (rs377056065, gnomAD 0.004%). This variant has not been reported in the literature in individuals affected with FAT2-related conditions. ClinVar contains an entry for this variant (Variation ID: 3025628). Invitae Evidence Modeling of protein sequence and biophysical properties (such as structural, functional, and spatial information, amino acid conservation, physicochemical variation, residue mobility, and thermodynamic stability) indicates that this missense variant is expected to disrupt FAT2 protein function with a positive predictive value of 80%. In summary, the available evidence is currently insufficient to determine the role of this variant in disease. Therefore, it has been classified as a Variant of Uncertain Significance.

CeGaT Center for Human Genetics Tuebingen
Classification: Likely benign. Last evaluated: 2024-01-01. Review status: criteria provided, single submitter. Criteria: CeGaT Center For Human Genetics Tuebingen Variant Classification Criteria Version 2. Collection method: clinical testing. Allele origin: germline. Affected: yes. Observed: 1 variant allele.
Comment: FAT2: BP4

NM_001447.3(FAT2):c.1018G>A (p.Gly340Ser)

Gene: FAT2 (FAT atypical cadherin 2; minus strand). Cytogenetic location: 5q33.1.
Variant type: single nucleotide variant.
Coding change: c.1018G>A on transcript NM_001447.3 (MANE Select); coding-DNA position 1018, G replaced by A.
Protein change: p.Gly340Ser; replaces glycine 340 with serine.
Molecular consequence: missense variant.
Genome position (GRCh38, 1-based): chr5:151,567,914, C>T on the plus strand (G>A on the coding strand, the complement: FAT2 is on the minus strand). VCF-style: chr5-151567914-C-T. GRCh37 (hg19) VCF-style: chr5-150947475-C-T.
Other names: c.1018G>A (NM_001447.2); short protein forms G340S.
Identifiers: ClinVar variation 3025628 (VCV003025628.23), dbSNP rs377056065, ClinGen allele CA3522331.